The following is an entry in ClinVar:

ClinVar aggregate classification (germline): Uncertain significance (1 of 4 stars; one submission).

Conditions:
DPM3-congenital disorder of glycosylation (MDDGC15). Also called: DPM3-CDG; CDG Io; CDG1(DPM3); MUSCULAR DYSTROPHY-DYSTROGLYCANOPATHY (LIMB-GIRDLE), TYPE C, 15. Identifiers: Orphanet 263494, MedGen C2752007, MONDO:0013049, OMIM 612937.

Submission:

Labcorp Genetics (formerly Invitae), Labcorp
Classification: Uncertain significance for DPM3-congenital disorder of glycosylation. Last evaluated: 2021-12-19. Review status: criteria provided, single submitter. Criteria: Invitae Variant Classification Sherloc (09022015). Collection method: clinical testing. Allele origin: germline.
Comment: This sequence change replaces leucine, which is neutral and non-polar, with serine, which is neutral and polar, at codon 4 of the DPM3 protein (p.Leu4Ser). This variant is not present in population databases (gnomAD no frequency). This variant has not been reported in the literature in individuals affected with DPM3-related conditions. Algorithms developed to predict the effect of missense changes on protein structure and function are either unavailable or do not agree on the potential impact of this missense change (SIFT: "Deleterious"; PolyPhen-2: "Probably Damaging"; Align-GVGD: "Class C0"). In summary, the available evidence is currently insufficient to determine the role of this variant in disease. Therefore, it has been classified as a Variant of Uncertain Significance.

NM_153741.2(DPM3):c.11T>C (p.Leu4Ser)

Gene: DPM3 (dolichyl-phosphate mannosyltransferase subunit 3, regulatory; minus strand). Cytogenetic location: 1q22.
Variant type: single nucleotide variant.
Coding change: c.11T>C on transcript NM_153741.2 (MANE Select); coding-DNA position 11, T replaced by C.
Protein change: p.Leu4Ser; replaces leucine 4 with serine.
Molecular consequence: missense variant.
Genome position (GRCh38, 1-based): chr1:155,140,230, A>G on the plus strand (T>C on the coding strand, the complement: DPM3 is on the minus strand). VCF-style: chr1-155140230-A-G. GRCh37 (hg19) VCF-style: chr1-155112706-A-G.
Other names: c.101T>C, p.Leu34Ser (NM_018973.4); short protein forms L34S, L4S.
Identifiers: ClinVar variation 2048065 (VCV002048065.4), dbSNP rs2526669298, ClinGen allele CA342665043.
Genomic context (GRCh38, chr1:155,140,230, plus strand): 5'-CCCGTGGTCAGGGCCACCCAGGTGGAGCCCAGGATCGCTAGTCCCCAAAGCCACTGCGCT[A>G]ATTTCGTCATGGTCACTGCGAGAGAAGGAAGCAATGCTCCCCTGAGGAGCAGAAAGGAAA-3'
Protein context (NP_714963.1, residues 1-14): MTK[Leu4Ser]AQWLWGLAIL